The following is an entry in ClinVar:

ClinVar aggregate classification (germline): Uncertain significance (1 of 4 stars; one submission).

Conditions:
Werner syndrome (WRN). Identifiers: Orphanet 902, MedGen C0043119, MONDO:0010196, OMIM 277700.

Submission:

Labcorp Genetics (formerly Invitae), Labcorp
Classification: Uncertain significance for Werner syndrome. Last evaluated: 2017-08-21. Review status: criteria provided, single submitter. Criteria: Invitae Variant Classification Sherloc (09022015). Collection method: clinical testing. Allele origin: germline.
Comment: This variant is not present in population databases (ExAC no frequency). This sequence change replaces glycine with glutamic acid at codon 92 of the WRN protein (p.Gly92Glu). The glycine residue is moderately conserved and there is a moderate physicochemical difference between glycine and glutamic acid. This variant has not been reported in the literature in individuals with WRN-related disease. In summary, the available evidence is currently insufficient to determine the role of this variant in disease. Therefore, it has been classified as a Variant of Uncertain Significance. Algorithms developed to predict the effect of missense changes on protein structure and function do not agree on the potential impact of this missense change (SIFT: "Deleterious"; PolyPhen-2: "Probably Damaging"; Align-GVGD: "Class C0").

NM_000553.6(WRN):c.275G>A (p.Gly92Glu)

Gene: WRN (WRN RecQ like helicase; plus strand). Cytogenetic location: 8p12.
Variant type: single nucleotide variant.
Coding change: c.275G>A on transcript NM_000553.6 (MANE Select); coding-DNA position 275, G replaced by A.
Protein change: p.Gly92Glu; replaces glycine 92 with glutamic acid.
Molecular consequence: missense variant.
Genome position (GRCh38, 1-based): chr8:31,064,354, G>A. VCF-style: chr8-31064354-G-A. GRCh37 (hg19) VCF-style: chr8-30921870-G-A.
Other names: short protein forms G92E.
Identifiers: ClinVar variation 528136 (VCV000528136.4), dbSNP rs1554518986, ClinGen allele CA370914178.